The following is an entry in ClinVar:

ClinVar aggregate classification (germline): Uncertain significance (1 of 4 stars; one submission).

Conditions:
Autosomal dominant nocturnal frontal lobe epilepsy 5. Also called: KCNT1-Related Epilepsy; CILIARY DYSKINESIA, PRIMARY, 28, WITH SITUS INVERSUS; CILIARY DYSKINESIA, PRIMARY, 28, WITHOUT SITUS INVERSUS; Epilepsy, nocturnal frontal lobe, 5. Identifiers: Orphanet 98784, MedGen C3554306, MONDO:0014002, OMIM 615005.
Developmental and epileptic encephalopathy, 14 (DEE14). Also called: Early infantile epileptic encephalopathy 14. Identifiers: Orphanet 293181, MedGen C3554195, MONDO:0013989, OMIM 614959.

Allele frequency attached by ClinVar (database versions not stated): ExAC 0.00001; gnomAD 0.00001; TOPMed 0.00002.
gnomAD v4.1: 11 of 1,612,966 alleles (0.00068%); highest among the groups gnomAD compares: African/African-American, 0.0013%; no homozygotes.

Submission:

Labcorp Genetics (formerly Invitae), Labcorp
Classification: Uncertain significance for Autosomal dominant nocturnal frontal lobe epilepsy 5; Developmental and epileptic encephalopathy, 14. Last evaluated: 2025-07-14. Review status: criteria provided, single submitter. Criteria: Invitae Variant Classification Sherloc (09022015). Collection method: clinical testing. Allele origin: germline.
Comment: This sequence change replaces valine, which is neutral and non-polar, with methionine, which is neutral and non-polar, at codon 478 of the KCNT1 protein (p.Val478Met). The frequency data for this variant in the population databases is considered unreliable, as metrics indicate poor data quality at this position in the gnomAD database. This variant has not been reported in the literature in individuals affected with KCNT1-related conditions. ClinVar contains an entry for this variant (Variation ID: 2924548). Invitae Evidence Modeling of protein sequence and biophysical properties (such as structural, functional, and spatial information, amino acid conservation, physicochemical variation, residue mobility, and thermodynamic stability) has been performed for this missense variant. However, the output from this modeling did not meet the statistical confidence thresholds required to predict the impact of this variant on KCNT1 protein function. In summary, the available evidence is currently insufficient to determine the role of this variant in disease. Therefore, it has been classified as a Variant of Uncertain Significance.

NM_020822.3(KCNT1):c.1432G>A (p.Val478Met)

Gene: KCNT1 (potassium sodium-activated channel subfamily T member 1; plus strand). Cytogenetic location: 9q34.3.
Variant type: single nucleotide variant.
Coding change: c.1432G>A on transcript NM_020822.3 (MANE Select); coding-DNA position 1432, G replaced by A.
Protein change: p.Val478Met; replaces valine 478 with methionine.
Molecular consequence: missense variant.
Genome position (GRCh38, 1-based): chr9:135,768,859, G>A. VCF-style: chr9-135768859-G-A. GRCh37 (hg19) VCF-style: chr9-138660705-G-A.
Other names: c.1297G>A, p.Val433Met (NM_001272003.2); short protein forms V433M, V478M.
Identifiers: ClinVar variation 2924548 (VCV002924548.3), dbSNP rs766714200, ClinGen allele CA5326906.